The following is an entry in ClinVar:

ClinVar aggregate classification (germline): Uncertain significance (1 of 4 stars; one submission).

Submission:

Labcorp Genetics (formerly Invitae), Labcorp
Classification: Uncertain significance. Last evaluated: 2023-05-15. Review status: criteria provided, single submitter. Criteria: Invitae Variant Classification Sherloc (09022015). Collection method: clinical testing. Allele origin: germline.
Comment: This sequence change replaces proline, which is neutral and non-polar, with alanine, which is neutral and non-polar, at codon 937 of the PCDH15 protein (p.Pro937Ala). This variant is not present in population databases (gnomAD no frequency). This variant has not been reported in the literature in individuals affected with PCDH15-related conditions. ClinVar contains an entry for this variant (Variation ID: 1715072). Advanced modeling of protein sequence and biophysical properties (such as structural, functional, and spatial information, amino acid conservation, physicochemical variation, residue mobility, and thermodynamic stability) performed at Invitae indicates that this missense variant is expected to disrupt PCDH15 protein function. In summary, the available evidence is currently insufficient to determine the role of this variant in disease. Therefore, it has been classified as a Variant of Uncertain Significance.

NM_001384140.1(PCDH15):c.2809C>G (p.Pro937Ala)

Gene: PCDH15 (protocadherin related 15; minus strand). Cytogenetic location: 10q21.1.
Variant type: single nucleotide variant.
Coding change: c.2809C>G on transcript NM_001384140.1 (MANE Select); coding-DNA position 2809, C replaced by G.
Protein change: p.Pro937Ala; replaces proline 937 with alanine.
Molecular consequence: missense variant.
Genome position (GRCh38, 1-based): chr10:53,995,708, G>C on the plus strand (C>G on the coding strand, the complement: PCDH15 is on the minus strand). VCF-style: chr10-53995708-G-C. GRCh37 (hg19) VCF-style: chr10-55755468-G-C.
Other names: c.2824C>G, p.Pro942Ala (NM_001142763.2, NM_001142771.2); c.2809C>G, p.Pro937Ala (NM_001142764.2, NM_001142766.2, NM_001142770.3 and 5 more transcripts); c.2596C>G, p.Pro866Ala (NM_001142765.2); c.2698C>G, p.Pro900Ala (NM_001142767.2); c.2743C>G, p.Pro915Ala (NM_001142768.2, NM_001142773.2, NM_001354404.2); c.2845C>G, p.Pro949Ala (NM_001142769.4); c.2830C>G, p.Pro944Ala (NM_001354411.2); short protein forms P866A, P900A, P915A, P937A, P942A, P944A, P949A.
Identifiers: ClinVar variation 1715072 (VCV001715072.5), dbSNP rs1463920111, ClinGen allele CA376515328.